The following is an entry in ClinVar:

NM_001323289.2(CDKL5):c.291C>T (p.Leu97=)

Gene: CDKL5 (cyclin dependent kinase like 5; plus strand). Cytogenetic location: Xp22.13.
Variant type: single nucleotide variant.
Coding change: c.291C>T on transcript NM_001323289.2 (MANE Select); coding-DNA position 291, C replaced by T.
Protein change: p.Leu97=; no amino-acid change (leucine 97 retained).
Molecular consequence: synonymous variant.
Genome position (GRCh38, 1-based): chrX:18,579,856, C>T. VCF-style: chrX-18579856-C-T. GRCh37 (hg19) VCF-style: chrX-18597976-C-T.
Other names: NM_001323289.2(CDKL5):c.291C>T; p.Leu97=; c.291C>T, p.Leu97= (NM_001037343.2, NM_003159.3).
Identifiers: ClinVar variation 748686 (VCV000748686.16), dbSNP rs138125282, ClinGen allele CA10360246.
Genomic context (GRCh38, chrX:18,579,856, plus strand): 5'-TAATTTACGGGCCTACCTAATTTGGGAAATAATGACTCTATTTAATTTTTAGAATATGCT[C>T]GAATTGCTGGAAGAAATGCCAAATGGAGTTCCACCTGAGAAAGTAAAAAGCTACATCTAT-3'
Protein context (NP_001310218.1, residues 87-107): LVFEYVEKNM[Leu97=]ELLEEMPNGV

ClinVar aggregate classification (germline): Benign. Review status: reviewed by expert panel (3 of 4 stars). 6 submissions from 6 submitters: Benign (1). 5 of the submissions do not count toward it. Last evaluated 2022-09-01.

Conditions:
CDKL5 disorder. Identifiers: MedGen CN296942, MONDO:0100039.
CDKL5-related disorder.
Developmental and epileptic encephalopathy, 2 (DEE2). Also called: CDKL5 deficiency disorder; INFANTILE SPASM SYNDROME, X-LINKED 2. Identifiers: Orphanet 1934, Orphanet 3451, Orphanet 505652, MedGen C4750718, MONDO:0010396, OMIM 300672.
Inborn genetic diseases. Identifiers: MedGen C0950123, MeSH D030342.
Angelman syndrome-like. Identifiers: MedGen CN128785.

Allele frequency attached by ClinVar (database versions not stated): ExAC 0.00001; gnomAD exomes 0.00001; gnomAD 0.00004; TOPMed 0.00009; ESP Exome Variant Server 0.00019.
gnomAD v4.1: 14 of 1,205,033 alleles (0.0012%); highest among the groups gnomAD compares: Middle Eastern, 0.046%; no homozygotes.

Submissions (6):

ClinGen Rett and Angelman-like Disorders Variant Curation Expert Panel
Classification: Benign for CDKL5 disorder. Last evaluated: 2022-09-01. Review status: reviewed by expert panel. Criteria: ClinGen RettAS ACMG Specifications V2. Collection method: curation. Allele origin: germline. Inheritance: X-linked inheritance.
Comment: The allele frequency of the p.Leu97= variant in CDKL5 is 0.011% in African sub population in gnomAD, which is high enough to be classified as likely benign based on thresholds defined by the ClinGen Rett/Angelman-like Expert Panel for Rett/AS-like conditions (BS1). The p.Leu97= variant is observed in at least 2 unaffected individuals (internal database) (BS2). The silent p.Leu97= variant is not predicted to affect splicing using multiple computational tools and does not affect a highly conserved nucleotide (BP7). The p.Leu97= variant in CDKL5 has been reported apparently homozygous in an individual with infantile epileptic encephalopathy (PMID 28454995); no criteria were applied for this case. In summary, the p.Leu97= variant in CDKL5 is classified as benign based on the ACMG/AMP criteria (BS1, BS2, BP7).

PreventionGenetics, part of Exact Sciences
Classification: Likely benign for CDKL5-related condition. Last evaluated: 2025-06-16. Review status: criteria provided, single submitter. Criteria: ACMG Guidelines, 2015. Collection method: clinical testing. Allele origin: germline. Not counted in ClinVar's aggregate classification.
Comment: This variant is classified as likely benign based on ACMG/AMP sequence variant interpretation guidelines (Richards et al. 2015 PMID: 25741868, with internal and published modifications).

Labcorp Genetics (formerly Invitae), Labcorp
Classification: Likely benign for Developmental and epileptic encephalopathy, 2; Angelman syndrome-like. Last evaluated: 2025-06-02. Review status: criteria provided, single submitter. Criteria: Invitae Variant Classification Sherloc (09022015). Collection method: clinical testing. Allele origin: germline. Not counted in ClinVar's aggregate classification.

Ambry Genetics
Classification: Likely benign for Inborn genetic diseases. Last evaluated: 2024-06-17. Review status: criteria provided, single submitter. Criteria: Ambry Variant Classification Scheme 2023. Collection method: clinical testing. Allele origin: germline. Not counted in ClinVar's aggregate classification.

GeneDx
Classification: Likely benign. Last evaluated: 2020-09-22. Review status: criteria provided, single submitter. Criteria: GeneDx Variant Classification Process June 2021. Collection method: clinical testing. Allele origin: germline. Affected: yes. Not counted in ClinVar's aggregate classification.
Comment: See Variant Classification Assertion Criteria.

Biochemical Molecular Genetic Laboratory, King Abdulaziz Medical City
Classification: Likely pathogenic for Developmental and epileptic encephalopathy, 2. Last evaluated: 2019-09-26. Review status: no assertion criteria provided. Collection method: clinical testing. Allele origin: germline. Affected: yes. Not counted in ClinVar's aggregate classification.